The following is an entry in ClinVar:

ClinVar aggregate classification (germline): Uncertain significance (1 of 4 stars; one submission).

Allele frequency attached by ClinVar (database versions not stated): ExAC 0.00001; gnomAD 0.00001; gnomAD exomes 0.00001.
gnomAD v4.1: 11 of 1,613,894 alleles (0.00068%); highest among the groups gnomAD compares: African/African-American, 0.0027%; no homozygotes.

Submission:

Labcorp Genetics (formerly Invitae), Labcorp
Classification: Uncertain significance. Last evaluated: 2024-06-09. Review status: criteria provided, single submitter. Criteria: Invitae Variant Classification Sherloc (09022015). Collection method: clinical testing. Allele origin: germline.
Comment: This sequence change replaces valine, which is neutral and non-polar, with isoleucine, which is neutral and non-polar, at codon 79 of the GNA11 protein (p.Val79Ile). This variant is present in population databases (rs777099166, gnomAD 0.004%). This variant has not been reported in the literature in individuals affected with GNA11-related conditions. ClinVar contains an entry for this variant (Variation ID: 1498195). Advanced modeling of protein sequence and biophysical properties (such as structural, functional, and spatial information, amino acid conservation, physicochemical variation, residue mobility, and thermodynamic stability) performed at Invitae indicates that this missense variant is not expected to disrupt GNA11 protein function with a negative predictive value of 80%. In summary, the available evidence is currently insufficient to determine the role of this variant in disease. Therefore, it has been classified as a Variant of Uncertain Significance.

NM_002067.5(GNA11):c.235G>A (p.Val79Ile)

Gene: GNA11 (G protein subunit alpha 11; plus strand). Cytogenetic location: 19p13.3.
Variant type: single nucleotide variant.
Coding change: c.235G>A on transcript NM_002067.5 (MANE Select); coding-DNA position 235, G replaced by A.
Protein change: p.Val79Ile; replaces valine 79 with isoleucine.
Molecular consequence: missense variant.
Genome position (GRCh38, 1-based): chr19:3,110,247, G>A. VCF-style: chr19-3110247-G-A. GRCh37 (hg19) VCF-style: chr19-3110245-G-A.
Other names: short protein forms V79I.
Identifiers: ClinVar variation 1498195 (VCV001498195.8), dbSNP rs777099166, ClinGen allele CA9074768.